The following is an entry in ClinVar:

ClinVar aggregate classification (germline): Uncertain significance (1 of 4 stars; one submission).

Conditions:
Cranioectodermal dysplasia 1 (CED1). Also called: LEVIN SYNDROME I. Identifiers: Orphanet 1515, MedGen C0432235, MONDO:0021093, OMIM 218330.

Submission:

Labcorp Genetics (formerly Invitae), Labcorp
Classification: Uncertain significance for Cranioectodermal dysplasia 1. Last evaluated: 2025-06-09. Review status: criteria provided, single submitter. Criteria: Invitae Variant Classification Sherloc (09022015). Collection method: clinical testing. Allele origin: germline.
Comment: This sequence change is expected to alter the c-terminus of the IFT122 protein (p.Arg1247Alafs*66). While this is not anticipated to result in nonsense mediated decay, it is expected to disrupt the last 46 amino acid(s) of the IFT122 protein and extend the protein by 19 additional amino acid residues. This variant is not present in population databases (gnomAD no frequency). This variant has not been reported in the literature in individuals affected with IFT122-related conditions. ClinVar contains an entry for this variant (Variation ID: 1464789). Experimental studies and prediction algorithms are not available or were not evaluated, and the functional significance of this variant is currently unknown. In summary, the available evidence is currently insufficient to determine the role of this variant in disease. Therefore, it has been classified as a Variant of Uncertain Significance.

NM_052989.3(IFT122):c.3586del (p.Arg1196fs)

Gene: IFT122 (intraflagellar transport 122; plus strand). Cytogenetic location: 3q22.1.
Variant type: Deletion.
Coding change: c.3586del on transcript NM_052989.3 (MANE Select); coding-DNA position 3586, one base deleted (C; older notation c.3586delC).
Protein change: p.Arg1196fs; shifts the reading frame from arginine 1196.
Molecular consequence: frameshift variant.
Genome position (GRCh38, 1-based): chr3:129,519,682, C deleted; the last of 2 consecutive C bases (chr3:129,519,681-129,519,682); deleting either gives the same sequence. VCF-style (leftmost placement, unchanged base first): chr3-129519680-TC-T. GRCh37 (hg19) VCF-style: chr3-129238523-TC-T.
Other names: c.3565del, p.Arg1189fs (NM_001280541.2); c.3136del, p.Arg1046fs (NM_001280545.2); c.2959del, p.Arg987fs (NM_001280546.2); c.3409del, p.Arg1137fs (NM_018262.4); c.3739del, p.Arg1247fs (NM_052985.4); c.3256del, p.Arg1086fs (NM_052990.3); short protein forms R1196fs, R1046fs, R1086fs, R1137fs, R1247fs, R987fs, R1189fs.
Identifiers: ClinVar variation 1464789 (VCV001464789.6), dbSNP rs1560036538, ClinGen allele CA917005172.